The following is an entry in ClinVar:

ClinVar aggregate classification (germline): Uncertain significance (1 of 4 stars; one submission).

Conditions:
Alstrom syndrome (ALMS). Identifiers: Orphanet 64, MedGen C0268425, MONDO:0008763, OMIM 203800.

Submission:

Labcorp Genetics (formerly Invitae), Labcorp
Classification: Uncertain significance for Alstrom syndrome. Last evaluated: 2016-05-04. Review status: criteria provided, single submitter. Criteria: Invitae Variant Classification Sherloc (09022015). Collection method: clinical testing. Allele origin: germline.
Comment: This sequence change replaces serine with cysteine at codon 1523 of the ALMS1 protein (p.Ser1523Cys). The serine residue is weakly conserved and there is a moderate physicochemical difference between serine and cysteine. In summary, this variant is a novel missense change with uncertain impact on protein function. It has been classified as a Variant of Uncertain Significance. Algorithms developed to predict the effect of missense changes on protein structure and function do not agree on the potential impact of this missense change (SIFT: "Deleterious"; PolyPhen-2: "Probably damaging"; Align-GVGD: "Class C0"). This variant is not present in population databases (ExAC no frequency) and has not been reported in the literature in individuals with a ALMS1-related disease.

NM_001378454.1(ALMS1):c.4565C>G (p.Ser1522Cys)

Gene: ALMS1 (ALMS1 centrosome and basal body associated protein; plus strand). Cytogenetic location: 2p13.1.
Variant type: single nucleotide variant.
Coding change: c.4565C>G on transcript NM_001378454.1 (MANE Select); coding-DNA position 4565, C replaced by G.
Protein change: p.Ser1522Cys; replaces serine 1522 with cysteine.
Molecular consequence: missense variant.
Genome position (GRCh38, 1-based): chr2:73,451,092, C>G. VCF-style: chr2-73451092-C-G. GRCh37 (hg19) VCF-style: chr2-73678219-C-G.
Other names: c.4568C>G, p.Ser1523Cys (NM_015120.4); short protein forms S1523C, S1522C.
Identifiers: ClinVar variation 403932 (VCV000403932.7), dbSNP rs1060500036, ClinGen allele CA16611012.
Genomic context (GRCh38, chr2:73,451,092, plus strand): 5'-TTTCAGTTGCTCCTGGACCAGTTGGCCAGACAACTGGCGCACCAACTATAACCTCTCCTT[C>G]CTACTCACAACATAGAGCAAAGTCTGGCAGTTTCTACCAACTGGCATTGCTAGGTAGTCA-3'
Protein context (NP_001365383.1, residues 1512-1532): TTGAPTITSP[Ser1522Cys]YSQHRAKSGS